The following is an entry in ClinVar:

NM_020297.4(ABCC9):c.2190C>A (p.His730Gln)

Gene: ABCC9 (ATP binding cassette subfamily C member 9; minus strand). Cytogenetic location: 12p12.1.
Variant type: single nucleotide variant.
Coding change: c.2190C>A on transcript NM_020297.4 (MANE Select); coding-DNA position 2190, C replaced by A.
Protein change: p.His730Gln; replaces histidine 730 with glutamine.
Molecular consequence: missense variant.
Genome position (GRCh38, 1-based): chr12:21,872,633, G>T on the plus strand (C>A on the coding strand, the complement: ABCC9 is on the minus strand). VCF-style: chr12-21872633-G-T. GRCh37 (hg19) VCF-style: chr12-22025567-G-T.
Other names: c.2190C>A, p.His730Gln (NM_001377273.1, NM_005691.4); c.1326C>A, p.His442Gln (NM_001377274.1); short protein forms H730Q, H442Q.
Identifiers: ClinVar variation 518779 (VCV000518779.16), dbSNP rs771887289, ClinGen allele CA6481479.

ClinVar aggregate classification (germline): Uncertain significance. Review status: criteria provided, multiple submitters, no conflicts (2 of 4 stars). 3 submissions from 3 submitters: Uncertain significance (3). Last evaluated 2025-12-16.

Conditions:
Primary familial dilated cardiomyopathy (FDC). Also called: Hypokinetic dilated cardiomyopathy, familial; Familial dilated cardiomyopathy. Identifiers: Orphanet 217607, MedGen C0340427, MONDO:0016333.
Cardiovascular phenotype. Identifiers: MedGen CN230736.
Dilated cardiomyopathy 1O (CMD1O). Also called: CARDIOMYOPATHY, DILATED, WITH VENTRICULAR TACHYCARDIA. Identifiers: Orphanet 154, MedGen C1837839, MONDO:0012062, OMIM 608569.

Allele frequency attached by ClinVar (database versions not stated): gnomAD 0.00001; TOPMed 0.00001; ExAC 0.00002; gnomAD exomes 0.00002.
gnomAD v4.1: 26 of 1,612,274 alleles (0.0016%); highest among the groups gnomAD compares: Non-Finnish European, 0.0021%; no homozygotes.

Submissions (3):

Ambry Genetics
Classification: Uncertain significance for Cardiovascular phenotype. Last evaluated: 2025-12-16. Review status: criteria provided, single submitter. Criteria: Ambry Variant Classification Scheme 2023. Collection method: clinical testing. Allele origin: germline.

Labcorp Genetics (formerly Invitae), Labcorp
Classification: Uncertain significance for Dilated cardiomyopathy 1O. Last evaluated: 2025-09-05. Review status: criteria provided, single submitter. Criteria: Invitae Variant Classification Sherloc (09022015). Collection method: clinical testing. Allele origin: germline.
Comment: This sequence change replaces histidine, which is basic and polar, with glutamine, which is neutral and polar, at codon 730 of the ABCC9 protein (p.His730Gln). This variant is present in population databases (rs771887289, gnomAD 0.004%). This variant has not been reported in the literature in individuals affected with ABCC9-related conditions. ClinVar contains an entry for this variant (Variation ID: 518779). Invitae Evidence Modeling of protein sequence and biophysical properties (such as structural, functional, and spatial information, amino acid conservation, physicochemical variation, residue mobility, and thermodynamic stability) indicates that this missense variant is not expected to disrupt ABCC9 protein function with a negative predictive value of 95%. In summary, the available evidence is currently insufficient to determine the role of this variant in disease. Therefore, it has been classified as a Variant of Uncertain Significance.

Molecular Diagnostic Laboratory for Inherited Cardiovascular Disease, Montreal Heart Institute
Classification: Uncertain significance for Primary familial dilated cardiomyopathy. Last evaluated: 2017-06-29. Review status: criteria provided, single submitter. Criteria: ACMG Guidelines, 2015. Collection method: clinical testing. Allele origin: germline. Affected: yes.